The following is an entry in ClinVar:

NM_001367868.2(PLIN4):c.1443A>G (p.Lys481=)

Gene: PLIN4 (perilipin 4; minus strand). Cytogenetic location: 19p13.3.
Variant type: single nucleotide variant.
Coding change: c.1443A>G on transcript NM_001367868.2 (MANE Select); coding-DNA position 1443, A replaced by G.
Protein change: p.Lys481=; no amino-acid change (lysine 481 retained).
Molecular consequence: synonymous variant.
Genome position (GRCh38, 1-based): chr19:4,512,517, T>C on the plus strand (A>G on the coding strand, the complement: PLIN4 is on the minus strand). VCF-style: chr19-4512517-T-C. GRCh37 (hg19) VCF-style: chr19-4512529-T-C.
Other names: c.1446A>G, p.Lys482= (NM_001393888.1, NM_001393889.1); c.1443A>G, p.Lys481= (NM_001393890.1, NM_001393891.1).
Identifiers: ClinVar variation 4084324 (VCV004084324.8).
Genomic context (GRCh38, chr19:4,512,517, plus strand): 5'-AGCATCTTTAGTGCCAGTCAGGACAGACTTTGTAGTGTCCAGGCCGCCCTGGACGGCCCC[T>C]TTGGCCACATTCGCAGCACCGGTGACCCCACTGCAGACAGTGTCCTTGGTACCAGTTAGA-3'
Protein context (NP_001354797.1, residues 471-491): SGVTGAANVA[Lys481=]GAVQGGLDTT

ClinVar aggregate classification (germline): Likely benign (1 of 4 stars; one submission).

Submission:

CeGaT Center for Human Genetics Tuebingen
Classification: Likely benign. Last evaluated: 2025-08-01. Review status: criteria provided, single submitter. Criteria: CeGaT Center For Human Genetics Tuebingen Variant Classification Criteria Version 2. Collection method: clinical testing. Allele origin: germline. Affected: yes. Observed: 1 variant allele.
Comment: PLIN4: BP4, BP7